The following is an entry in ClinVar:

ClinVar aggregate classification (germline): Benign/Likely benign. Review status: criteria provided, multiple submitters, no conflicts (2 of 4 stars). 5 submissions from 5 submitters: Benign (1); Likely benign (3). 1 of the submissions does not count toward it. Last evaluated 2026-04-06.

Conditions:
NIPBL-related disorder. Also called: NIPBL-related condition.
Inborn genetic diseases. Identifiers: MedGen C0950123, MeSH D030342.
Cornelia de Lange syndrome 1 (CDLS1). Also called: Brachmann de Lange syndrome; TYPUS DEGENERATIVUS AMSTELODAMENSIS; NIPBL-Related Cornelia de Lange Syndrome. Identifiers: Orphanet 199, MedGen C4551851, MONDO:0007387, OMIM 122470.

Allele frequency attached by ClinVar (database versions not stated): ESP Exome Variant Server 0.00015; gnomAD 0.00032; TOPMed 0.00045; 1000 Genomes Project 30x 0.00078; 1000 Genomes Project 0.00100.
gnomAD v4.1: 119 of 1,613,816 alleles (0.0074%); highest among the groups gnomAD compares: African/African-American, 0.12%; 1 homozygote.

Submissions (5):

Women's Health and Genetics/Laboratory Corporation of America, LabCorp
Classification: Likely benign. Last evaluated: 2026-04-06. Review status: criteria provided, single submitter. Criteria: LabCorp Variant Classification Summary - May 2015. Collection method: clinical testing. Allele origin: germline.
Comment: Variant summary: NIPBL c.1891G>T (p.Val631Leu) results in a conservative amino acid change in the encoded protein sequence. Algorithms developed to predict the effect of missense changes on protein structure and function all suggest that this variant is likely to be tolerated. The variant allele was found at a frequency of 0.00012 in 249830 control chromosomes, predominantly at a frequency of 0.0015 within the African or African-American subpopulation in the gnomAD database, including 1 homozygote. The observed variant frequency within African or African-American control individuals in the gnomAD database exceeds the estimated maximal expected allele frequency for disease-causing variants in NIPBL. To our knowledge, no occurrence of c.1891G>T in individuals affected with NIPBL-related conditions and no experimental evidence demonstrating its impact on protein function have been reported. ClinVar contains an entry for this variant (Variation ID: 588311). Based on the evidence outlined above, the variant was classified as likely benign.

Labcorp Genetics (formerly Invitae), Labcorp
Classification: Benign for Cornelia de Lange syndrome 1. Last evaluated: 2026-01-05. Review status: criteria provided, single submitter. Criteria: Invitae Variant Classification Sherloc (09022015). Collection method: clinical testing. Allele origin: germline.

Blueprint Genetics
Classification: Likely benign. Last evaluated: 2024-06-04. Review status: criteria provided, single submitter. Criteria: ACMG Guidelines, 2015. Collection method: clinical testing. Allele origin: germline.

Ambry Genetics
Classification: Likely benign for Inborn genetic diseases. Last evaluated: 2016-10-03. Review status: criteria provided, single submitter. Criteria: Ambry Variant Classification Scheme 2023. Collection method: clinical testing. Allele origin: germline.

PreventionGenetics, part of Exact Sciences
Classification: Likely benign for NIPBL-related condition. Last evaluated: 2023-03-24. Review status: no assertion criteria provided. Collection method: clinical testing. Allele origin: germline. Not counted in ClinVar's aggregate classification.
Comment: This variant is classified as likely benign based on ACMG/AMP sequence variant interpretation guidelines (Richards et al. 2015 PMID: 25741868, with internal and published modifications).

NM_133433.4(NIPBL):c.1891G>T (p.Val631Leu)

Gene: NIPBL (NIPBL cohesin loading factor; plus strand). Cytogenetic location: 5p13.2.
Variant type: single nucleotide variant.
Coding change: c.1891G>T on transcript NM_133433.4 (MANE Select); coding-DNA position 1891, G replaced by T.
Protein change: p.Val631Leu; replaces valine 631 with leucine.
Molecular consequence: missense variant.
Genome position (GRCh38, 1-based): chr5:36,985,071, G>T. VCF-style: chr5-36985071-G-T. GRCh37 (hg19) VCF-style: chr5-36985173-G-T.
Other names: c.1891G>T, p.Val631Leu (NM_015384.5); short protein forms V631L.
Identifiers: ClinVar variation 588311 (VCV000588311.12), dbSNP rs142820200, ClinGen allele CA3236097.